The following is an entry in ClinVar:

NM_001128840.3(CACNA1D):c.6473T>C (p.Ile2158Thr)

Gene: CACNA1D (calcium voltage-gated channel subunit alpha1 D; plus strand). Cytogenetic location: 3p21.1.
Variant type: single nucleotide variant.
Coding change: c.6473T>C on transcript NM_001128840.3 (MANE Select); coding-DNA position 6473, T replaced by C.
Protein change: p.Ile2158Thr; replaces isoleucine 2158 with threonine.
Molecular consequence: missense variant.
Genome position (GRCh38, 1-based): chr3:53,811,393, T>C. VCF-style: chr3-53811393-T-C. GRCh37 (hg19) VCF-style: chr3-53845420-T-C.
Other names: c.6533T>C (NM_000720.2); c.6533T>C, p.Ile2178Thr (NM_000720.4); c.6401T>C, p.Ile2134Thr (NM_001128839.3); short protein forms I2134T, I2158T, I2178T.
Identifiers: ClinVar variation 3676585 (VCV003676585.3).

ClinVar aggregate classification (germline): Uncertain significance. Review status: criteria provided, multiple submitters, no conflicts (2 of 4 stars). 2 submissions from 2 submitters: Uncertain significance (2). Last evaluated 2025-10-22.

Conditions:
Inborn genetic diseases. Identifiers: MedGen C0950123, MeSH D030342.

Submissions (2):

Labcorp Genetics (formerly Invitae), Labcorp
Classification: Uncertain significance. Last evaluated: 2025-10-22. Review status: criteria provided, single submitter. Criteria: Invitae Variant Classification Sherloc (09022015). Collection method: clinical testing. Allele origin: germline.
Comment: This sequence change replaces isoleucine, which is neutral and non-polar, with threonine, which is neutral and polar, at codon 2178 of the CACNA1D protein (p.Ile2178Thr). This variant is present in population databases (no rsID available, gnomAD 0.1%). This variant has not been reported in the literature in individuals affected with CACNA1D-related conditions. ClinVar contains an entry for this variant (Variation ID: 3676585). An algorithm developed to predict the effect of missense changes on protein structure and function (PolyPhen-2) suggests that this variant is likely to be tolerated. In summary, the available evidence is currently insufficient to determine the role of this variant in disease. Therefore, it has been classified as a Variant of Uncertain Significance.

Ambry Genetics
Classification: Uncertain significance for Inborn genetic diseases. Last evaluated: 2025-06-10. Review status: criteria provided, single submitter. Criteria: Ambry Variant Classification Scheme 2023. Collection method: clinical testing. Allele origin: germline.